The following is an entry in ClinVar:

ClinVar aggregate classification (germline): Uncertain significance. Review status: criteria provided, multiple submitters, no conflicts (2 of 4 stars). 2 submissions from 2 submitters: Uncertain significance (2). Last evaluated 2025-06-18.

Allele frequency attached by ClinVar (database versions not stated): gnomAD exomes below 0.00001.
gnomAD v4.1: 5 of 1,597,556 alleles (0.00031%); highest among the groups gnomAD compares: Non-Finnish European, 0.00042%; no homozygotes.

Submissions (2):

Women's Health and Genetics/Laboratory Corporation of America, LabCorp
Classification: Uncertain significance. Last evaluated: 2025-06-18. Review status: criteria provided, single submitter. Criteria: LabCorp Variant Classification Summary - May 2015. Collection method: clinical testing. Allele origin: germline.
Comment: Variant summary: IGHMBP2 c.2606C>T (p.Ala869Val) results in a non-conservative amino acid change in the encoded protein sequence. Algorithms developed to predict the effect of missense changes on protein structure and function are either unavailable or do not agree on the potential impact of this missense change. The variant allele was found at a frequency of 4.4e-06 in 224796 control chromosomes (gnomAD). The available data on variant occurrences in the general population are insufficient to allow any conclusion about variant significance. To our knowledge, no occurrence of c.2606C>T in individuals affected with Charcot-Marie-Tooth disease axonal type 2S and no experimental evidence demonstrating its impact on protein function have been reported. ClinVar contains an entry for this variant (Variation ID: 1711994). Based on the evidence outlined above, the variant was classified as uncertain significance.

GeneDx
Classification: Uncertain significance. Last evaluated: 2022-10-06. Review status: criteria provided, single submitter. Criteria: GeneDx Variant Classification Process June 2021. Collection method: clinical testing. Allele origin: germline. Affected: yes.
Comment: Has not been previously published as pathogenic or benign to our knowledge; In silico analysis supports that this missense variant does not alter protein structure/function; Not observed at significant frequency in large population cohorts (gnomAD)

NM_002180.3(IGHMBP2):c.2606C>T (p.Ala869Val)

Gene: IGHMBP2 (immunoglobulin mu DNA binding protein 2; plus strand). Cytogenetic location: 11q13.3.
Variant type: single nucleotide variant.
Coding change: c.2606C>T on transcript NM_002180.3 (MANE Select); coding-DNA position 2606, C replaced by T.
Protein change: p.Ala869Val; replaces alanine 869 with valine.
Molecular consequence: missense variant.
Genome position (GRCh38, 1-based): chr11:68,937,086, C>T. VCF-style: chr11-68937086-C-T. GRCh37 (hg19) VCF-style: chr11-68704554-C-T.
Other names: short protein forms A869V.
Identifiers: ClinVar variation 1711994 (VCV001711994.3), dbSNP rs1353012889, ClinGen allele CA381654162.